The following is an entry in ClinVar:

ClinVar aggregate classification (germline): Benign (1 of 4 stars; one submission).

Allele frequency attached by ClinVar (database versions not stated): 1000 Genomes Project 0.00280; 1000 Genomes Project 30x 0.00312; TOPMed 0.00379; gnomAD 0.00395; ExAC 0.00444; ESP Exome Variant Server 0.00492.
gnomAD v4.1: 8,542 of 1,614,180 alleles (0.53%); highest among the groups gnomAD compares: South Asian, 0.71%; 47 homozygotes.

Submission:

CeGaT Center for Human Genetics Tuebingen
Classification: Benign. Last evaluated: 2022-07-01. Review status: criteria provided, single submitter. Criteria: CeGaT Center For Human Genetics Tuebingen Variant Classification Criteria Version 2. Collection method: clinical testing. Allele origin: germline. Affected: yes. Observed: 1 variant allele.
Comment: IGSF22: BP4, BS1, BS2

NM_173588.4(IGSF22):c.3143G>A (p.Arg1048Gln)

Genes: IGSF22 (immunoglobulin superfamily member 22; minus strand), IGSF22-AS1 (IGSF22 antisense RNA 1; plus strand). Cytogenetic location: 11p15.1.
Variant type: single nucleotide variant.
Coding change: c.3143G>A on transcript NM_173588.4 (MANE Select); coding-DNA position 3143, G replaced by A.
Protein change: p.Arg1048Gln; replaces arginine 1048 with glutamine.
Molecular consequence: missense variant. On other transcripts: non-coding transcript variant (1).
Genome position (GRCh38, 1-based): chr11:18,707,941, C>T on the plus strand (G>A on the coding strand, the complement: IGSF22 is on the minus strand). VCF-style: chr11-18707941-C-T. GRCh37 (hg19) VCF-style: chr11-18729488-C-T.
Other names: short protein forms R1048Q.
Identifiers: ClinVar variation 2641667 (VCV002641667.24), dbSNP rs146342750, ClinGen allele CA5913784.